The following is an entry in ClinVar:

ClinVar aggregate classification (germline): Uncertain significance. Review status: criteria provided, multiple submitters, no conflicts (2 of 4 stars). 3 submissions from 3 submitters: Uncertain significance (3). Last evaluated 2021-02-25.

Conditions:
Osteogenesis imperfecta type 7 (OI7). Also called: OSTEOGENESIS IMPERFECTA, TYPE IIB; Osteogenesis imperfecta type 2B; OI type 2B; Osteogenesis imperfecta, perinatal lethal autosomal recessive; OI type IIB; OI type 7. Identifiers: MedGen C1853162, MONDO:0012536, OMIM 610682.

Allele frequency attached by ClinVar (database versions not stated): ExAC 0.00002.
gnomAD v4.1: 2 of 1,592,862 alleles (0.00013%); highest among the groups gnomAD compares: East Asian, 0.0045%; no homozygotes.

Submissions (3):

Revvity Omics, Revvity
Classification: Uncertain significance for Osteogenesis imperfecta type 7. Last evaluated: 2021-02-25. Review status: criteria provided, single submitter. Criteria: ACMG Guidelines, 2015. Collection method: clinical testing. Allele origin: germline.

Department of Pathology and Laboratory Medicine, Sinai Health System
Classification: Uncertain significance for osteogenesis imperfecta type 7. Last evaluated: 2020-08-13. Review status: criteria provided, single submitter. Criteria: ACMG Guidelines, 2015. Collection method: research. Allele origin: germline.

Juno Genomics, Hangzhou Juno Genomics, Inc
Classification: Uncertain significance for Osteogenesis imperfecta type 7. Review status: criteria provided, single submitter. Criteria: ACMG Guidelines, 2015. Collection method: clinical testing. Allele origin: germline.
Comment: Absent from controls (or at extremely low frequency if recessive) in Genome Aggregation Database.

NM_006371.5(CRTAP):c.143A>T (p.Tyr48Phe)

Gene: CRTAP (cartilage associated protein; plus strand). Cytogenetic location: 3p22.3.
Variant type: single nucleotide variant.
Coding change: c.143A>T on transcript NM_006371.5 (MANE Select); coding-DNA position 143, A replaced by T.
Protein change: p.Tyr48Phe; replaces tyrosine 48 with phenylalanine.
Molecular consequence: missense variant.
Genome position (GRCh38, 1-based): chr3:33,114,220, A>T. VCF-style: chr3-33114220-A-T. GRCh37 (hg19) VCF-style: chr3-33155712-A-T.
Other names: c.143A>T, p.Tyr48Phe (NM_001393363.1, NM_001393364.1, NM_001393365.1); short protein forms Y48F.
Identifiers: ClinVar variation 2440568 (VCV002440568.6), dbSNP rs768012717, ClinGen allele CA2300209.